The following is an entry in ClinVar:

NM_001148.6(ANK2):c.7336A>G (p.Asn2446Asp)

Genes: ANK2 (ankyrin 2; plus strand), LOC126807137 (CDK7 strongly-dependent group 2 enhancer GRCh37_chr4:114276560-114277759; plus strand). Cytogenetic location: 4q26.
Variant type: single nucleotide variant.
Coding change: c.7336A>G on transcript NM_001148.6 (MANE Select); coding-DNA position 7336, A replaced by G.
Protein change: p.Asn2446Asp; replaces asparagine 2446 with aspartic acid.
Molecular consequence: missense variant. On other transcripts: intron variant (68).
Genome position (GRCh38, 1-based): chr4:113,355,954, A>G. VCF-style: chr4-113355954-A-G. GRCh37 (hg19) VCF-style: chr4-114277110-A-G.
Other names: c.7102A>G, p.Asn2368Asp (NM_001386142.1); c.3736A>G, p.Asn1246Asp (NM_001386166.1); c.7477A>G, p.Asn2493Asp (NM_001386174.1); c.7453A>G, p.Asn2485Asp (NM_001386175.1); c.4412-4869A>G (NM_001386186.2, NM_001386148.2); c.4214-4869A>G (NM_001354269.3); c.4292-4869A>G (NM_001386187.2); c.4253-4869A>G (NM_001386147.1); and 35 more; short protein forms N2446D, N1246D, N2485D, N2493D, N2368D.
Identifiers: ClinVar variation 2716834 (VCV002716834.3), dbSNP rs1044740262, ClinGen allele CA103815139.

ClinVar aggregate classification (germline): Uncertain significance (1 of 4 stars; one submission).

Conditions:
Long QT syndrome (LQTS). Identifiers: MedGen C0023976, MeSH D008133, MONDO:0002442. Disease mechanism: loss of function. Inheritance: Various modes of inheritance.

Submission:

Labcorp Genetics (formerly Invitae), Labcorp
Classification: Uncertain significance for Long QT syndrome. Last evaluated: 2025-12-31. Review status: criteria provided, single submitter. Criteria: Invitae Variant Classification Sherloc (09022015). Collection method: clinical testing. Allele origin: germline.
Comment: This sequence change replaces asparagine, which is neutral and polar, with aspartic acid, which is acidic and polar, at codon 2446 of the ANK2 protein (p.Asn2446Asp). This variant is not present in population databases (gnomAD no frequency). This variant has not been reported in the literature in individuals affected with ANK2-related conditions. ClinVar contains an entry for this variant (Variation ID: 2716834). An algorithm developed to predict the effect of missense changes on protein structure and function (PolyPhen-2) suggests that this variant is likely to be tolerated. In summary, the available evidence is currently insufficient to determine the role of this variant in disease. Therefore, it has been classified as a Variant of Uncertain Significance.